The following is an entry in ClinVar:

NM_001184880.2(PCDH19):c.2617-7A>G

Gene: PCDH19 (protocadherin 19; minus strand). Cytogenetic location: Xq22.1.
Variant type: single nucleotide variant.
Coding change: c.2617-7A>G on transcript NM_001184880.2 (MANE Select); 7 bases into the intron before coding-DNA position 2617, A replaced by G.
Molecular consequence: intron variant.
Genome position (GRCh38, 1-based): chrX:100,350,711, T>C on the plus strand (A>G on the coding strand, the complement: PCDH19 is on the minus strand). VCF-style: chrX-100350711-T-C. GRCh37 (hg19) VCF-style: chrX-99605709-T-C.
Other names: p.?; c.2476-7A>G (NM_020766.3, NM_001105243.2).
Identifiers: ClinVar variation 287548 (VCV000287548.43), dbSNP rs370859689, ClinGen allele CA10468742.

ClinVar aggregate classification (germline): Conflicting classifications of pathogenicity. Review status: criteria provided, conflicting classifications (1 of 4 stars). 4 submissions from 4 submitters: Uncertain significance (1); Benign (2); Likely benign (1). Last evaluated 2025-11-24.

Conditions:
Developmental and epileptic encephalopathy, 9 (DEE9). Also called: PCDH19-Related X-Linked Female-Limited Epilepsy with Mental Retardation; EPILEPSY, FEMALE-RESTRICTED, WITH MENTAL RETARDATION; Early infantile epileptic encephalopathy 9; JUBERG-HELLMAN SYNDROME. Identifiers: Orphanet 101039, Orphanet 2076, MedGen C1848137, MONDO:0010246, OMIM 300088. Disease mechanism: loss of function.

Allele frequency attached by ClinVar (database versions not stated): gnomAD exomes 0.00003 and 0.00009; ExAC 0.00014; TOPMed 0.00031; gnomAD 0.00033 and 0.00035; ESP Exome Variant Server 0.00042.

Submissions (4):

Labcorp Genetics (formerly Invitae), Labcorp
Classification: Benign for Developmental and epileptic encephalopathy, 9. Last evaluated: 2025-11-24. Review status: criteria provided, single submitter. Criteria: Invitae Variant Classification Sherloc (09022015). Collection method: clinical testing. Allele origin: germline.

Mayo Clinic Laboratories, Mayo Clinic
Classification: Benign. Last evaluated: 2025-03-28. Review status: criteria provided, single submitter. Criteria: ACMG Guidelines, 2015. Collection method: clinical testing. Allele origin: germline. Observed: 1 variant allele.
Comment: BS1, BS2, BP4, BP7

CeGaT Center for Human Genetics Tuebingen
Classification: Likely benign. Last evaluated: 2025-02-01. Review status: criteria provided, single submitter. Criteria: CeGaT Center For Human Genetics Tuebingen Variant Classification Criteria Version 2. Collection method: clinical testing. Allele origin: germline. Affected: yes. Observed: 2 variant alleles.
Comment: PCDH19: BP4, BS2

Eurofins Ntd Llc (ga)
Classification: Uncertain significance. Last evaluated: 2016-05-11. Review status: criteria provided, single submitter. Criteria: EGL Classification Definitions 2015. Collection method: clinical testing. Allele origin: germline. Observed: 1 variant allele, 1 heterozygote.